The following is an entry in ClinVar:

ClinVar aggregate classification (germline): Uncertain significance. Review status: criteria provided, multiple submitters, no conflicts (2 of 4 stars). 3 submissions from 3 submitters: Uncertain significance (3). Last evaluated 2025-12-08.

Conditions:
Inborn genetic diseases. Identifiers: MedGen C0950123, MeSH D030342.
LAMA2-related muscular dystrophy (LAMA2-RD). Also called: Laminin alpha 2-related dystrophy. Identifiers: MedGen C5679788, MONDO:0100228.

Allele frequency attached by ClinVar (database versions not stated): gnomAD 0.00001; ExAC 0.00002; gnomAD exomes 0.00002; TOPMed 0.00002.
gnomAD v4.1: 24 of 1,613,952 alleles (0.0015%); highest among the groups gnomAD compares: East Asian, 0.0067%; 1 homozygote.

Submissions (3):

Ambry Genetics
Classification: Uncertain significance for Inborn genetic diseases. Last evaluated: 2025-12-08. Review status: criteria provided, single submitter. Criteria: Ambry Variant Classification Scheme 2023. Collection method: clinical testing. Allele origin: germline.

Labcorp Genetics (formerly Invitae), Labcorp
Classification: Uncertain significance for LAMA2-related muscular dystrophy. Last evaluated: 2024-10-23. Review status: criteria provided, single submitter. Criteria: Invitae Variant Classification Sherloc (09022015). Collection method: clinical testing. Allele origin: germline.
Comment: This sequence change replaces arginine, which is basic and polar, with histidine, which is basic and polar, at codon 2709 of the LAMA2 protein (p.Arg2709His). This variant is present in population databases (rs199714288, gnomAD 0.007%). This variant has not been reported in the literature in individuals affected with LAMA2-related conditions. ClinVar contains an entry for this variant (Variation ID: 167248). Invitae Evidence Modeling of protein sequence and biophysical properties (such as structural, functional, and spatial information, amino acid conservation, physicochemical variation, residue mobility, and thermodynamic stability) indicates that this missense variant is not expected to disrupt LAMA2 protein function with a negative predictive value of 95%. Algorithms developed to predict the effect of sequence changes on RNA splicing suggest that this variant may create or strengthen a splice site. In summary, the available evidence is currently insufficient to determine the role of this variant in disease. Therefore, it has been classified as a Variant of Uncertain Significance.

Eurofins Ntd Llc (ga)
Classification: Uncertain significance. Last evaluated: 2013-12-18. Review status: criteria provided, single submitter. Criteria: EGL Classification Definitions 2015. Collection method: clinical testing. Allele origin: germline. Observed: 1 variant allele, 1 heterozygote.

NM_000426.4(LAMA2):c.8126G>A (p.Arg2709His)

Gene: LAMA2 (laminin subunit alpha 2; plus strand). Cytogenetic location: 6q22.33.
Variant type: single nucleotide variant.
Coding change: c.8126G>A on transcript NM_000426.4 (MANE Select); coding-DNA position 8126, G replaced by A.
Protein change: p.Arg2709His; replaces arginine 2709 with histidine.
Molecular consequence: missense variant.
Genome position (GRCh38, 1-based): chr6:129,492,365, G>A. VCF-style: chr6-129492365-G-A. GRCh37 (hg19) VCF-style: chr6-129813510-G-A.
Other names: c.8114G>A, p.Arg2705His (NM_001079823.2); c.8126G>A (NM_000426.3); short protein forms R2705H.
Identifiers: ClinVar variation 167248 (VCV000167248.8), dbSNP rs199714288, ClinGen allele CA234208.